The following is an entry in ClinVar:

NM_014271.4(IL1RAPL1):c.660T>A (p.Tyr220Ter)

Gene: IL1RAPL1 (interleukin 1 receptor accessory protein like 1; plus strand). Cytogenetic location: Xp21.2.
Variant type: single nucleotide variant.
Coding change: c.660T>A on transcript NM_014271.4 (MANE Select); coding-DNA position 660, T replaced by A.
Protein change: p.Tyr220Ter; replaces tyrosine 220 with a stop codon.
Molecular consequence: nonsense.
Genome position (GRCh38, 1-based): chrX:29,399,265, T>A. VCF-style: chrX-29399265-T-A. GRCh37 (hg19) VCF-style: chrX-29417382-T-A.
Other names: short protein forms Y220*.
Identifiers: ClinVar variation 4622044 (VCV004622044.1).

ClinVar aggregate classification (germline): Pathogenic (1 of 4 stars; one submission).

Conditions:
Inborn genetic diseases. Identifiers: MedGen C0950123, MeSH D030342.

Submission:

Ambry Genetics
Classification: Pathogenic for Inborn genetic diseases. Last evaluated: 2025-11-14. Review status: criteria provided, single submitter. Criteria: Ambry Variant Classification Scheme 2023. Collection method: clinical testing. Allele origin: germline.
Comment: The c.660T>A (p.Y220*) alteration, located in exon 5 (coding exon 4) of the IL1RAPL1 gene, consists of a T to A substitution at nucleotide position 660. This changes the amino acid from a tyrosine (Y) to a stop codon at amino acid position 220. This alteration is expected to result in loss of function by premature protein truncation or nonsense-mediated mRNA decay. This variant was not reported in population-based cohorts in the Genome Aggregation Database (gnomAD). Based on the available evidence, this alteration is classified as pathogenic.